The following is an entry in ClinVar:

NC_000005.10:g.112707416G>T

Gene: APC (APC regulator of Wnt signaling pathway; plus strand). Cytogenetic location: 5q22.2.
Variant type: single nucleotide variant.
Genome position: GRCh38 VCF-style: chr5-112707416-G-T. GRCh37 (hg19) VCF-style: chr5-112043113-G-T.
Identifiers: ClinVar variation 537678 (VCV000537678.10), dbSNP rs1373788988, ClinGen allele CA658796594.

ClinVar aggregate classification (germline): Uncertain significance (1 of 4 stars; one submission).

Conditions:
Familial adenomatous polyposis 1 (FAP1). Also called: FAMILIAL ADENOMATOUS POLYPOSIS 1, ATTENUATED; POLYPOSIS, ADENOMATOUS INTESTINAL. Identifiers: MedGen C2713442, MONDO:0021056, OMIM 175100. Disease mechanism: loss of function.

Allele frequency attached by ClinVar (database versions not stated): gnomAD exomes below 0.00001.

Submission:

Labcorp Genetics (formerly Invitae), Labcorp
Classification: Uncertain significance for Familial adenomatous polyposis 1. Last evaluated: 2025-11-13. Review status: criteria provided, single submitter. Criteria: Invitae Variant Classification Sherloc (09022015). Collection method: clinical testing. Allele origin: germline.
Comment: This variant occurs in a non-coding region of the APC gene. It does not change the encoded amino acid sequence of the APC protein. This variant is not present in population databases (gnomAD no frequency). This variant has not been reported in the literature in individuals affected with APC-related conditions. ClinVar contains an entry for this variant (Variation ID: 537678). Experimental studies and prediction algorithms are not available or were not evaluated, and the functional significance of this variant is currently unknown. In summary, the available evidence is currently insufficient to determine the role of this variant in disease. Therefore, it has been classified as a Variant of Uncertain Significance.